The following is an entry in ClinVar:

NM_016089.3(ZNF589):c.539G>T (p.Gly180Val)

Gene: ZNF589 (zinc finger protein 589; plus strand). Cytogenetic location: 3p21.31.
Variant type: single nucleotide variant.
Coding change: c.539G>T on transcript NM_016089.3 (MANE Select); coding-DNA position 539, G replaced by T.
Protein change: p.Gly180Val; replaces glycine 180 with valine.
Molecular consequence: missense variant.
Genome position (GRCh38, 1-based): chr3:48,268,230, G>T. VCF-style: chr3-48268230-G-T. GRCh37 (hg19) VCF-style: chr3-48309720-G-T.
Other names: short protein forms G180V.
Identifiers: ClinVar variation 2485389 (VCV002485389.4), dbSNP rs2034043032, ClinGen allele CA352597862.

ClinVar aggregate classification (germline): Uncertain significance. Review status: criteria provided, single submitter (1 of 4 stars). 2 submissions from 2 submitters: Uncertain significance (1). 1 of the submissions does not count toward it. Last evaluated 2025-07-31.

Conditions:
ZNF589-related disorder. Also called: ZNF589-related condition.

Allele frequency attached by ClinVar (database versions not stated): gnomAD exomes below 0.00001; TOPMed below 0.00001.
gnomAD v4.1: 3 of 1,605,752 alleles (0.00019%); highest among the groups gnomAD compares: African/African-American, 0.004%; no homozygotes.

Submissions (2):

Ambry Genetics
Classification: Uncertain significance. Last evaluated: 2025-07-31. Review status: criteria provided, single submitter. Criteria: Ambry Variant Classification Scheme 2023. Collection method: clinical testing. Allele origin: germline.

PreventionGenetics, part of Exact Sciences
Classification: Uncertain significance for ZNF589-related condition. Last evaluated: 2024-04-17. Review status: no assertion criteria provided. Collection method: clinical testing. Allele origin: germline. Not counted in ClinVar's aggregate classification.
Comment: The ZNF589 c.539G>T variant is predicted to result in the amino acid substitution p.Gly180Val. To our knowledge, this variant has not been reported in the literature or in a large population database, indicating this variant is rare. At this time, the clinical significance of this variant is uncertain due to the absence of conclusive functional and genetic evidence.